The following is an entry in ClinVar:

NM_000492.4(CFTR):c.2017G>T (p.Gly673Ter)

Gene: CFTR (CF transmembrane conductance regulator; plus strand). Cytogenetic location: 7q31.2.
Variant type: single nucleotide variant.
Coding change: c.2017G>T on transcript NM_000492.4 (MANE Select); coding-DNA position 2017, G replaced by T.
Protein change: p.Gly673Ter; replaces glycine 673 with a stop codon.
Molecular consequence: nonsense.
Genome position (GRCh38, 1-based): chr7:117,592,184, G>T. VCF-style: chr7-117592184-G-T. GRCh37 (hg19) VCF-style: chr7-117232238-G-T.
Other names: short protein forms G673*.
Identifiers: ClinVar variation 53427 (VCV000053427.14), dbSNP rs397508331, ClinGen allele CA326730.

ClinVar aggregate classification (germline): Pathogenic. Review status: reviewed by expert panel (3 of 4 stars). 9 submissions from 9 submitters: Pathogenic (1). 8 of the submissions do not count toward it. Last evaluated 2017-03-17.

Conditions:
CFTR-related disorder (CFTR-RD). Also called: CFTR-related condition; CFTR-related disorders. Identifiers: MedGen C5924204, MONDO:7770004.
Bronchiectasis with or without elevated sweat chloride 1 (BESC1). Also called: Cystic Fibrosis-Like Syndrome. Identifiers: Orphanet 60033, MedGen C2749757, MONDO:0008887, OMIM 211400.
Congenital bilateral aplasia of vas deferens from CFTR mutation (CBAVD). Identifiers: Orphanet 48, MedGen C0403814, MONDO:0010178, OMIM 277180. Disease mechanism: loss of function.
Cystic fibrosis (CF). Also called: MUCOVISCIDOSIS. Identifiers: Orphanet 586, MedGen C0010674, MONDO:0009061, OMIM 219700. Disease mechanism: loss of function.
Hereditary pancreatitis (PCTT). Also called: PRSS1-Related Hereditary Pancreatitis; Hereditary chronic pancreatitis. Identifiers: Orphanet 676, MedGen C0238339, MONDO:0008185, OMIM 167800.

Allele frequency attached by ClinVar (database versions not stated): gnomAD exomes below 0.00001; ExAC 0.00001.
gnomAD v4.1: 1 of 1,613,946 alleles (0.000062%); highest among the groups gnomAD compares: Non-Finnish European, 0.000085%; no homozygotes.

Submissions (9):

CFTR2
Classification: Pathogenic for Cystic fibrosis. Last evaluated: 2017-03-17. Review status: reviewed by expert panel. Criteria: Sosnay PR et al. (Nat Genet 2013). Collection method: research. Allele origin: germline. Affected: yes. Study: CFTR2.

Natera, Inc.
Classification: Pathogenic for CFTR-related disorders. Last evaluated: 2024-12-17. Review status: criteria provided, single submitter. Criteria: Natera Variant Classification Schema (03/2026). Collection method: clinical testing. Allele origin: germline. Not counted in ClinVar's aggregate classification.
Comment: The c.2017G>T variant in CFTR is a nonsense variant predicted to introduce a stop codon at amino acid 673. This variant is expected to result in nonsense mediated decay, truncation, or a dysfunctional protein product. This variant is rare in the general population with a frequency below the threshold expected for the associated phenotype(s). This variant has been observed in one or more individuals affected with the associated recessive disease, as either homozygous or compound heterozygous with a second variant (PMID: 23837941). Given the available evidence, this variant is classified as Pathogenic.

Ambry Genetics
Classification: Pathogenic for Cystic fibrosis. Last evaluated: 2024-09-06. Review status: criteria provided, single submitter. Criteria: Ambry Variant Classification Scheme 2023. Collection method: clinical testing. Allele origin: germline. Not counted in ClinVar's aggregate classification.
Comment: The p.G673* pathogenic mutation (also known as c.2017G>T, p.G673X, and 2149G>T), located in coding exon 14 of the CFTR gene, results from a G to T substitution at nucleotide position 2017. This changes the amino acid from a glycine to a stop codon within coding exon 14. This mutation was first described in a patient with cystic fibrosis and pancreatic insufficiency, who also carried the deltaI507 variant (Kerem et al. Proc Natl Acad Sci U S A. 1990;87(21):8447-51). This variant is considered to be rare based on population cohorts in the Genome Aggregation Database (gnomAD). This alteration is expected to result in loss of function by premature protein truncation or nonsense-mediatedmRNAdecay.As such, this alteration is interpreted as a disease-causing mutation.

Fulgent Genetics
Classification: Pathogenic for Hereditary pancreatitis; Bronchiectasis with or without elevated sweat chloride 1; Cystic fibrosis; Congenital bilateral aplasia of vas deferens from CFTR mutation. Last evaluated: 2024-04-09. Review status: criteria provided, single submitter. Criteria: ACMG Guidelines, 2015. Collection method: clinical testing. Allele origin: germline. Not counted in ClinVar's aggregate classification.

Baylor Genetics
Classification: Pathogenic for Bronchiectasis with or without elevated sweat chloride 1. Last evaluated: 2023-01-28. Review status: criteria provided, single submitter. Criteria: ACMG Guidelines, 2015. Collection method: clinical testing. Allele origin: unknown. Not counted in ClinVar's aggregate classification.

Institute of Human Genetics, University of Leipzig Medical Center
Classification: Pathogenic for Cystic fibrosis. Last evaluated: 2022-09-05. Review status: criteria provided, single submitter. Criteria: ACMG Guidelines, 2015. Collection method: curation. Allele origin: unknown. Affected: yes. Observed: 4 variant alleles. Not counted in ClinVar's aggregate classification.
Comment: This variant was identified in 4 unrelated patients with a clinically confirmed diagnosis of cystic fibrosis. The variant was classified in the context of a project re-classifying variants in the German Cystic Fibrosis Registry (Muko.e.V.). Criteria applied: PVS1, PM2_SUP, PM3_STR, PP4

Women's Health and Genetics/Laboratory Corporation of America, LabCorp
Classification: Pathogenic for Cystic fibrosis. Last evaluated: 2019-09-30. Review status: criteria provided, single submitter. Criteria: LabCorp Variant Classification Summary - May 2015. Collection method: clinical testing. Allele origin: germline. Not counted in ClinVar's aggregate classification.
Comment: Variant summary: CFTR c.2017G>T (p.Gly673X) results in a premature termination codon, predicted to cause a truncation of the encoded protein or absence of the protein due to nonsense mediated decay, which are commonly known mechanisms for disease. Truncations downstream of this position have been classified as pathogenic by our laboratory. The variant allele was found at a frequency of 4e-06 in 249956 control chromosomes (gnomAD). c.2017G>T has been reported in the literature in individuals affected with Cystic Fibrosis (Dork_1994, Claustres_2000, Ramos_2013). These data indicate that the variant is likely to be associated with disease. To our knowledge, no experimental evidence demonstrating an impact on protein function has been reported. Two other ClinVar submitters (evaluation afetr 2014) have cited the variant as pathogenic. Based on the evidence outlined above, the variant was classified as pathogenic.

CFTR-France
Classification: Pathogenic for cystic fibrosis. Last evaluated: 2018-01-29. Review status: criteria provided, single submitter. Criteria: Claustres M et al. (Hum Mutat 2017). Collection method: curation. Allele origin: germline. Affected: yes. Not counted in ClinVar's aggregate classification.

Counsyl
Classification: Pathogenic for Cystic fibrosis. Last evaluated: 2017-10-16. Review status: no assertion criteria provided. Collection method: clinical testing. Allele origin: unknown. Not counted in ClinVar's aggregate classification.

Literature cited by the submitters: PubMed 23837941 (cited by Natera, Inc. and Women's Health and Genetics/Laboratory Corporation of America, LabCorp); PubMed 10923036 (cited by Women's Health and Genetics/Laboratory Corporation of America, LabCorp and Counsyl); PubMed 7525450 (cited by Women's Health and Genetics/Laboratory Corporation of America, LabCorp and Counsyl); PubMed 17331079 (cited by Counsyl).